The following is an entry in ClinVar:

NM_001903.5(CTNNA1):c.497A>G (p.Asn166Ser)

Gene: CTNNA1 (catenin alpha 1; plus strand). Cytogenetic location: 5q31.2.
Variant type: single nucleotide variant.
Coding change: c.497A>G on transcript NM_001903.5 (MANE Select); coding-DNA position 497, A replaced by G.
Protein change: p.Asn166Ser; replaces asparagine 166 with serine.
Molecular consequence: missense variant.
Genome position (GRCh38, 1-based): chr5:138,812,211, A>G. VCF-style: chr5-138812211-A-G. GRCh37 (hg19) VCF-style: chr5-138147900-A-G.
Other names: c.497A>G, p.Asn166Ser (NM_001290307.3, NM_001323982.2, NM_001323983.1 and 3 more transcripts); c.188A>G, p.Asn63Ser (NM_001290309.3); c.128A>G, p.Asn43Ser (NM_001290310.3); c.497A>G (NM_001903.2); short protein forms N63S, N166S, N43S.
Identifiers: ClinVar variation 860744 (VCV000860744.12), dbSNP rs1758892567, ClinGen allele CA361125065.
Genomic context (GRCh38, chr5:138,812,211, plus strand): 5'-TTTTGGGTTTTGGGGTCTTTCTTATTTTATAGGTGGAAGATGGTATCTTGAAGTTGAGGA[A>G]TGCTGGCAATGAACAAGACTTAGGAATCCAGTATAAAGCCCTAAAACCTGAAGTGGATAA-3'
Protein context (NP_001894.2, residues 156-176): VVEDGILKLR[Asn166Ser]AGNEQDLGIQ

ClinVar aggregate classification (germline): Uncertain significance. Review status: criteria provided, multiple submitters, no conflicts (2 of 4 stars). 2 submissions from 2 submitters: Uncertain significance (2). Last evaluated 2025-08-24.

Conditions:
Hereditary cancer-predisposing syndrome. Also called: Tumor predisposition; Hereditary neoplastic syndrome; Neoplastic Syndromes, Hereditary; Hereditary Cancer Syndrome. Identifiers: Orphanet 140162, MedGen C0027672, MeSH D009386, MONDO:0015356.

Allele frequency attached by ClinVar (database versions not stated): gnomAD exomes below 0.00001.
gnomAD v4.1: 1 of 1,613,766 alleles (0.000062%); highest among the groups gnomAD compares: Non-Finnish European, 0.000085%; no homozygotes.

Submissions (2):

Ambry Genetics
Classification: Uncertain significance for Hereditary cancer-predisposing syndrome. Last evaluated: 2025-08-24. Review status: criteria provided, single submitter. Criteria: Ambry Variant Classification Scheme 2023. Collection method: clinical testing. Allele origin: germline.
Comment: The p.N166S variant (also known as c.497A>G), located in coding exon 4 of the CTNNA1 gene, results from an A to G substitution at nucleotide position 497. The asparagine at codon 166 is replaced by serine, an amino acid with highly similar properties. This amino acid position is highly conserved in available vertebrate species. In addition, this alteration is predicted to be tolerated by in silico analysis. Based on the available evidence, the clinical significance of this variant remains unclear.

Labcorp Genetics (formerly Invitae), Labcorp
Classification: Uncertain significance. Last evaluated: 2024-02-11. Review status: criteria provided, single submitter. Criteria: Invitae Variant Classification Sherloc (09022015). Collection method: clinical testing. Allele origin: germline.
Comment: This sequence change replaces asparagine, which is neutral and polar, with serine, which is neutral and polar, at codon 166 of the CTNNA1 protein (p.Asn166Ser). This variant is not present in population databases (gnomAD no frequency). This variant has not been reported in the literature in individuals affected with CTNNA1-related conditions. ClinVar contains an entry for this variant (Variation ID: 860744). Advanced modeling of protein sequence and biophysical properties (such as structural, functional, and spatial information, amino acid conservation, physicochemical variation, residue mobility, and thermodynamic stability) performed at Invitae indicates that this missense variant is not expected to disrupt CTNNA1 protein function with a negative predictive value of 80%. In summary, the available evidence is currently insufficient to determine the role of this variant in disease. Therefore, it has been classified as a Variant of Uncertain Significance.